The following is an entry in ClinVar:

ClinVar aggregate classification (germline): Uncertain significance. Review status: criteria provided, multiple submitters, no conflicts (2 of 4 stars). 4 submissions from 4 submitters: Uncertain significance (4). Last evaluated 2024-10-01.

Conditions:
Autosomal recessive limb-girdle muscular dystrophy type 2Y (MRRSDC). Also called: Muscular dystrophy, limb-girdle, type 2y; Muscular dystrophy, autosomal recessive, with rigid spine and distal joint contractures. Identifiers: Orphanet 424261, MedGen C4511482, MONDO:0014900, OMIM 617072.
Inborn genetic diseases. Identifiers: MedGen C0950123, MeSH D030342.

Allele frequency attached by ClinVar (database versions not stated): gnomAD 0.00005 and 0.00006; gnomAD exomes 0.00007; TOPMed 0.00008; ExAC 0.00019.
gnomAD v4.1: 38 of 1,480,014 alleles (0.0026%); highest among the groups gnomAD compares: East Asian, 0.034%; no homozygotes.

Submissions (4):

GeneDx
Classification: Uncertain significance. Last evaluated: 2024-10-01. Review status: criteria provided, single submitter. Criteria: GeneDx Variant Classification Process June 2021. Collection method: clinical testing. Allele origin: germline. Affected: yes.
Comment: Has not been previously published as pathogenic or benign to our knowledge; In silico analysis indicates that this missense variant does not alter protein structure/function

Ambry Genetics
Classification: Uncertain significance for Inborn genetic diseases. Last evaluated: 2024-04-01. Review status: criteria provided, single submitter. Criteria: Ambry Variant Classification Scheme 2023. Collection method: clinical testing. Allele origin: germline.

Genome-Nilou Lab
Classification: Uncertain significance for Autosomal recessive limb-girdle muscular dystrophy type 2Y. Last evaluated: 2023-04-11. Review status: criteria provided, single submitter. Criteria: ACMG Guidelines, 2015. Collection method: clinical testing. Allele origin: germline. Affected: no.

Labcorp Genetics (formerly Invitae), Labcorp
Classification: Uncertain significance for Autosomal recessive limb-girdle muscular dystrophy type 2Y. Last evaluated: 2022-08-09. Review status: criteria provided, single submitter. Criteria: Invitae Variant Classification Sherloc (09022015). Collection method: clinical testing. Allele origin: germline.
Comment: This sequence change replaces glutamic acid, which is acidic and polar, with lysine, which is basic and polar, at codon 13 of the TOR1AIP1 protein (p.Glu13Lys). This variant is present in population databases (rs749592068, gnomAD 0.09%). This variant has not been reported in the literature in individuals affected with TOR1AIP1-related conditions. ClinVar contains an entry for this variant (Variation ID: 476284). Algorithms developed to predict the effect of missense changes on protein structure and function are either unavailable or do not agree on the potential impact of this missense change (SIFT: "Deleterious"; PolyPhen-2: "Possibly Damaging"; Align-GVGD: "Class C0"). In summary, the available evidence is currently insufficient to determine the role of this variant in disease. Therefore, it has been classified as a Variant of Uncertain Significance.

NM_015602.4(TOR1AIP1):c.37G>A (p.Glu13Lys)

Genes: TOR1AIP1 (torsin 1A interacting protein 1; plus strand), LOC112577517 (Sharpr-MPRA regulatory region 13766; plus strand). Cytogenetic location: 1q25.2.
Variant type: single nucleotide variant.
Coding change: c.37G>A on transcript NM_015602.4 (MANE Select); coding-DNA position 37, G replaced by A.
Protein change: p.Glu13Lys; replaces glutamic acid 13 with lysine.
Molecular consequence: missense variant.
Genome position (GRCh38, 1-based): chr1:179,882,539, G>A. VCF-style: chr1-179882539-G-A. GRCh37 (hg19) VCF-style: chr1-179851674-G-A.
Other names: c.37G>A, p.Glu13Lys (NM_001267578.2); c.37G>A (NM_015602.2); short protein forms E13K.
Identifiers: ClinVar variation 476284 (VCV000476284.14), dbSNP rs749592068, ClinGen allele CA1268625.